The following is an entry in ClinVar:

NM_001048174.2(MUTYH):c.316G>C (p.Glu106Gln)

Gene: MUTYH (mutY DNA glycosylase; minus strand). Cytogenetic location: 1p34.1.
Variant type: single nucleotide variant.
Coding change: c.316G>C on transcript NM_001048174.2 (MANE Select); coding-DNA position 316, G replaced by C.
Protein change: p.Glu106Gln; replaces glutamic acid 106 with glutamine.
Molecular consequence: missense variant. On other transcripts: non-coding transcript variant (1), intron variant (2).
Genome position (GRCh38, 1-based): chr1:45,333,159, C>G on the plus strand (G>C on the coding strand, the complement: MUTYH is on the minus strand). VCF-style: chr1-45333159-C-G. GRCh37 (hg19) VCF-style: chr1-45798831-C-G.
Other names: c.400G>C, p.Glu134Gln (NM_001128425.2); c.361G>C, p.Glu121Gln (NM_001293190.2); c.349G>C, p.Glu117Gln (NM_001293191.2); c.40G>C, p.Glu14Gln (NM_001293192.2, NM_001293196.2); c.316G>C, p.Glu106Gln (NM_001293195.2, NM_001048171.2, NM_001048173.2); c.391G>C, p.Glu131Gln (NM_012222.3); c.33+126G>C (NM_001350651.2, NM_001350650.2); c.319G>C, p.Glu107Gln (NM_001048172.2); short protein forms E106Q, E107Q, E117Q, E121Q, E131Q, E134Q, E14Q.
Identifiers: ClinVar variation 1023115 (VCV001023115.10), dbSNP rs1645276297, ClinGen allele CA340136198.

ClinVar aggregate classification (germline): Conflicting classifications of pathogenicity. Review status: criteria provided, conflicting classifications (1 of 4 stars). 2 submissions from 2 submitters: Likely pathogenic (1); Uncertain significance (1). Last evaluated 2026-07-09.

Conditions:
Familial adenomatous polyposis 2. Also called: MUTYH Polyposis; Adenomas, multiple colorectal; MUTYH-associated polyposis; MUTYH-related attenuated familial adenomatous polyposis; COLORECTAL ADENOMATOUS POLYPOSIS, AUTOSOMAL RECESSIVE; ADENOMAS, MULTIPLE COLORECTAL, AUTOSOMAL RECESSIVE. Identifiers: Orphanet 220460, Orphanet 247798, MedGen C3272841, MONDO:0012041, OMIM 608456.

Submissions (2):

Myriad Genetics, Inc.
Classification: Likely pathogenic for Familial adenomatous polyposis 2. Last evaluated: 2026-07-09. Review status: criteria provided, single submitter. Criteria: Myriad Autosomal Dominant, Autosomal Recessive and X-Linked Classification Criteria (2023). Collection method: clinical testing. Allele origin: unknown.
Comment: This variant is considered likely pathogenic. Functional studies indicate this variant impacts protein function [PMID: 40738107]. This variant is expected to disrupt protein structure [Myriad internal data].

Labcorp Genetics (formerly Invitae), Labcorp
Classification: Uncertain significance for Familial adenomatous polyposis 2. Last evaluated: 2020-02-20. Review status: criteria provided, single submitter. Criteria: Invitae Variant Classification Sherloc (09022015). Collection method: clinical testing. Allele origin: germline.
Comment: In summary, the available evidence is currently insufficient to determine the role of this variant in disease. Therefore, it has been classified as a Variant of Uncertain Significance. Algorithms developed to predict the effect of missense changes on protein structure and function (SIFT, PolyPhen-2, Align-GVGD) all suggest that this variant is likely to be disruptive, but these predictions have not been confirmed by published functional studies and their clinical significance is uncertain. This variant has not been reported in the literature in individuals with MUTYH-related conditions. This variant is not present in population databases (ExAC no frequency). This sequence change replaces glutamic acid with glutamine at codon 134 of the MUTYH protein (p.Glu134Gln). The glutamic acid residue is highly conserved and there is a small physicochemical difference between glutamic acid and glutamine.

Literature cited by the submitters: PubMed 40738107 (cited by Myriad Genetics, Inc.).